The following is an entry in ClinVar:

NM_000264.5(PTCH1):c.639del (p.Gly214fs)

Gene: PTCH1 (patched 1; minus strand). Cytogenetic location: 9q22.32.
Variant type: Deletion.
Coding change: c.639del on transcript NM_000264.5 (MANE Select); coding-DNA position 639, one base deleted (A; older notation c.639delA).
Protein change: p.Gly214fs; shifts the reading frame from glycine 214.
Molecular consequence: frameshift variant. On other transcripts: non-coding transcript variant (1).
Genome position (GRCh38, 1-based): chr9:95,482,149, T deleted on the plus strand (A on the coding strand, the reverse complement: PTCH1 is on the minus strand). VCF-style (leftmost placement, unchanged base first): chr9-95482148-CT-C. GRCh37 (hg19) VCF-style: chr9-98244430-CT-C.
Other names: c.441del, p.Gly148fs (NM_001083602.3, NM_001354919.2); c.636del, p.Gly213fs (NM_001083603.3); c.186del, p.Gly63fs (NM_001083604.3, NM_001083605.3, NM_001083606.3 and 1 more transcripts); c.639del, p.Gly214fs (NM_001354918.2); short protein forms G148fs, G213fs, G214fs, G63fs.
Identifiers: ClinVar variation 1071736 (VCV001071736.7), dbSNP rs2118472793, ClinGen allele CA2499220085.

ClinVar aggregate classification (germline): Pathogenic (1 of 4 stars; one submission).

Conditions:
Gorlin syndrome. Also called: Nevoid Basal Cell Carcinoma Syndrome; Basal cell nevus syndrome. Identifiers: Orphanet 377, MedGen C0004779, MONDO:0007187.

Submission:

Labcorp Genetics (formerly Invitae), Labcorp
Classification: Pathogenic for Gorlin syndrome. Last evaluated: 2017-12-31. Review status: criteria provided, single submitter. Criteria: Invitae Variant Classification Sherloc (09022015). Collection method: clinical testing. Allele origin: germline.
Comment: For these reasons, this variant has been classified as Pathogenic. This variant is not present in population databases (ExAC no frequency). This variant has not been reported in the literature in individuals with PTCH1-related disease. Loss-of-function variants in PTCH1 are known to be pathogenic (PMID: 16301862, 16419085). This sequence change creates a premature translational stop signal (p.Gly214Valfs*6) in the PTCH1 gene. It is expected to result in an absent or disrupted protein product.

Literature cited by the submitters: PubMed 16301862; PubMed 16419085.